The following is an entry in ClinVar:

ClinVar aggregate classification (germline): Likely benign (1 of 4 stars; one submission).

Allele frequency attached by ClinVar (database versions not stated): gnomAD 0.00001; gnomAD exomes 0.00001; TOPMed 0.00003; ExAC 0.00016.
gnomAD v4.1: 14 of 1,453,458 alleles (0.00096%); highest among the groups gnomAD compares: Non-Finnish European, 0.0012%; no homozygotes.

Submission:

CeGaT Center for Human Genetics Tuebingen
Classification: Likely benign. Last evaluated: 2023-11-01. Review status: criteria provided, single submitter. Criteria: CeGaT Center For Human Genetics Tuebingen Variant Classification Criteria Version 2. Collection method: clinical testing. Allele origin: germline. Affected: yes. Observed: 1 variant allele.
Comment: HYDIN: BP4, BP7

NM_001270974.2(HYDIN):c.10524C>G (p.Leu3508=)

Gene: HYDIN (HYDIN axonemal central pair apparatus protein; minus strand). Cytogenetic location: 16q22.2.
Variant type: single nucleotide variant.
Coding change: c.10524C>G on transcript NM_001270974.2 (MANE Select); coding-DNA position 10524, C replaced by G.
Protein change: p.Leu3508=; no amino-acid change (leucine 3508 retained).
Molecular consequence: synonymous variant.
Genome position (GRCh38, 1-based): chr16:70,879,330, G>C on the plus strand (C>G on the coding strand, the complement: HYDIN is on the minus strand). VCF-style: chr16-70879330-G-C. GRCh37 (hg19) VCF-style: chr16-70913233-G-C.
Identifiers: ClinVar variation 2672646 (VCV002672646.23), dbSNP rs746776577, ClinGen allele CA8149247.